The following is an entry in ClinVar:

NM_005912.3(MC4R):c.63_64del (p.Tyr21_Arg22delinsTer)

Gene: MC4R (melanocortin 4 receptor; minus strand). Cytogenetic location: 18q21.32.
Variant type: Deletion.
Coding change: c.63_64del on transcript NM_005912.3 (MANE Select); coding-DNA positions 63 to 64, 2 bases deleted (CA; older notation c.63_64delCA).
Protein change: p.Tyr21_Arg22delinsTer.
Molecular consequence: nonsense.
Genome position (GRCh38, 1-based): chr18:60,372,286-60,372,287, TG deleted on the plus strand (CA on the coding strand, the reverse complement: MC4R is on the minus strand); deleting any 2 consecutive bases within chr18:60,372,286-60,372,288 gives the same sequence; the c. name uses the placement nearest the transcript's 3' end. VCF-style (leftmost placement, unchanged base first): chr18-60372285-CTG-C. GRCh37 (hg19) VCF-style: chr18-58039518-CTG-C.
Other names: c.63_64delCA (NM_005912.2, NM_005912.2).
Identifiers: ClinVar variation 492860 (VCV000492860.6), dbSNP rs770293321, ClinGen allele CA8980992.

ClinVar aggregate classification (germline): Conflicting classifications of pathogenicity. Review status: criteria provided, conflicting classifications (1 of 4 stars). 4 submissions from 4 submitters: Likely pathogenic (2); Uncertain significance (1). 1 of the submissions does not count toward it. Last evaluated 2020-01-22.

Conditions:
Obesity. Also called: Obesity disorder. Identifiers: Orphanet 71529, MedGen C0028754, MeSH D009765, MONDO:0011122, HP:0001513.
Obesity due to melanocortin 4 receptor deficiency. Identifiers: Orphanet 71529, MedGen C4273958, MONDO:0019115.
MC4R-related disorder. Also called: MC4R-related condition.

Submissions (4):

Broad Center for Mendelian Genomics, Broad Institute of MIT and Harvard
Classification: Uncertain significance for Obesity. Last evaluated: 2020-01-22. Review status: criteria provided, single submitter. Criteria: ACMG Guidelines, 2015. Collection method: curation. Allele origin: germline. Inheritance: Autosomal dominant inheritance.
Comment: The p.Tyr21Terfs variant in MC4R has not been previously reported in individuals with obesity and has been identified in 0.007% (2/30616) of South Asian chromosomes and 0.006% (1/16150) African chromosomes by the Genome Aggregation Database (gnomAD; dbSNP rs770293321). This variant has also been reported in ClinVar (Variation ID: 492860). This variant is predicted to cause a frameshift, which alters the protein's amino acid sequence beginning at position 21 and leads to a premature termination codon at the same position. This alteration is then predicted to lead to a truncated protein since this is a single exon gene that is not predicted to undergo nonsense mediated decay. Heterozygous loss of function of the MC4R gene is an established disease mechanism in obesity. In summary, while there is some suspicion for a pathogenic role, the clinical significance of this variant is uncertain. ACMG/AMP Criteria applied: PVS1_moderate, PM2_supporting (Richards 2015).

Laboratory for Molecular Medicine, Mass General Brigham Personalized Medicine
Classification: Likely pathogenic for Obesity due to melanocortin 4 receptor deficiency. Last evaluated: 2018-09-19. Review status: criteria provided, single submitter. Criteria: ACMG Guidelines, 2015. Collection method: clinical testing. Allele origin: germline. Inheritance: Autosomal dominant inheritance.
Comment: The p.Tyr21X variant in MC4R has not been previously reported in individuals with obesity. This variant has been identified in 1/15206 African and 2/30782 South Asian chromosomes by the Genome Aggregation Database (gnomAD) and is reported in ClinVar (Variation ID: 492860). This nonsense variant leads to a premature termination codon at position 21, which is predicted to lead to a truncated or absent protein. Haploinsufficiency of the MC4R gene is an established disease mechanism in MC4R-related obesity. In summary, although additional studies are required to fully establish its clinical significance, the p.Tyr21X variant is likely pathogenic. ACMG/AMP Criteria applied: PVS1_Strong, PM2.

Blueprint Genetics
Classification: Likely pathogenic for MC4R-related disorders. Last evaluated: 2018-05-07. Review status: criteria provided, single submitter. Criteria: ACMG Guidelines, 2015. Collection method: clinical testing. Allele origin: germline. Affected: yes. Observed: 2 variant alleles.

Clinical Molecular Genetics Laboratory, Johns Hopkins All Children's Hospital
Classification: Pathogenic for Obesity. Last evaluated: 2016-09-08. Review status: no assertion criteria provided. Collection method: clinical testing. Allele origin: germline. Affected: yes. Not counted in ClinVar's aggregate classification.